The following is an entry in ClinVar:

ClinVar aggregate classification (germline): Uncertain significance (1 of 4 stars; one submission).

Submission:

Women's Health and Genetics/Laboratory Corporation of America, LabCorp
Classification: Uncertain significance. Last evaluated: 2026-05-07. Review status: criteria provided, single submitter. Criteria: LabCorp Variant Classification Summary - May 2015. Collection method: clinical testing. Allele origin: germline.
Comment: Variant summary: ABCC8 c.207_208delinsCC (p.Gly70Arg) results in a non-conservative amino acid change in the encoded protein sequence. Algorithms developed to predict the effect of missense changes on protein structure and function are either unavailable or do not agree on the potential impact of this missense change. Consensus agreement among computation tools predict no significant impact on normal splicing. However, these predictions have yet to be confirmed by functional studies. The variant was absent in 1614030 control chromosomes. The available data on variant occurrences in the general population are insufficient to allow any conclusion about variant significance. A different variant resulting in the same amino acid change ABCC8 c.208G>C (p.Gly70Arg) has been observed in one individual in a compound heterozygous state affected with Diabetes mellitus, permanent neonatal 3 (Gopi_2021), however it was inherited from an unaffected father. These data do not allow any conclusion about the significance of the variant. To our knowledge, no experimental evidence demonstrating an impact on protein function has been reported. The following publication has been ascertained in the context of this evaluation (PMID: 32893419). No submitters have cited clinical significance assessments for this variant in ClinVar. Based on the evidence outlined above, the variant was classified as uncertain significance.

Literature cited by the submitters: PubMed 32893419.

NM_000352.6(ABCC8):c.207_208delinsCC (p.Gly70Arg)

Gene: ABCC8 (ATP binding cassette subfamily C member 8; minus strand). Cytogenetic location: 11p15.1.
Variant type: Indel.
Coding change: c.207_208delinsCC on transcript NM_000352.6 (MANE Select); coding-DNA positions 207 to 208, TG replaced by CC.
Protein change: p.Gly70Arg; replaces glycine 70 with arginine.
Molecular consequence: missense variant. On other transcripts: non-coding transcript variant (1).
Genome position (GRCh38, 1-based): chr11:17,474,968-17,474,969, CA replaced by GG on the plus strand (TG replaced by CC on the coding strand, the reverse complement: ABCC8 is on the minus strand). VCF-style: chr11-17474968-CA-GG. GRCh37 (hg19) VCF-style: chr11-17496515-CA-GG.
Other names: c.207_208delinsCC, p.Gly70Arg (NM_001287174.3, NM_001351295.2, NM_001351296.2 and 1 more transcripts); short protein forms G70R.
Identifiers: ClinVar variation 4853494 (VCV004853494.1).